The following is an entry in ClinVar:

NM_000132.4(F8):c.6020del (p.Met2007fs)

Gene: F8 (coagulation factor VIII; minus strand). Cytogenetic location: Xq28.
Variant type: Deletion.
Coding change: c.6020del on transcript NM_000132.4 (MANE Select); coding-DNA position 6020, one base deleted (T; older notation c.6020delT).
Protein change: p.Met2007fs; shifts the reading frame from methionine 2007.
Molecular consequence: frameshift variant.
Genome position (GRCh38, 1-based): chrX:154,902,146, A deleted on the plus strand (T on the coding strand, the reverse complement: F8 is on the minus strand). VCF-style (leftmost placement, unchanged base first): chrX-154902145-CA-C. GRCh37 (hg19) VCF-style: chrX-154130420-CA-C.
Other names: short protein forms M2007fs.
Identifiers: ClinVar variation 1331057 (VCV001331057.7), dbSNP rs2123994155, ClinGen allele CA2573055177.

ClinVar aggregate classification (germline): Pathogenic (1 of 4 stars; one submission).

Conditions:
Hereditary factor VIII deficiency disease (HEMA). Also called: HEMOPHILIA, CLASSIC; AUTOSOMAL HEMOPHILIA A; Hemophilia A; Hemophilia A, congenital; HEM A; Factor 8 deficiency, congenital. Identifiers: Orphanet 98878, MedGen C0019069, MONDO:0010602, OMIM 306700.

Submission:

ARUP Laboratories, Molecular Genetics and Genomics, ARUP Laboratories
Classification: Pathogenic for Hereditary factor VIII deficiency disease. Last evaluated: 2020-10-16. Review status: criteria provided, single submitter. Criteria: ARUP Molecular Germline Variant Investigation Process 2021. Collection method: clinical testing. Allele origin: germline.
Comment: The F8 c.6020delT; p.Met2007SerfsTer23 variant, to our knowledge, is not reported in the medical literature or gene specific databases. This variant is also absent from general population databases (Exome Variant Server, Genome Aggregation Database), indicating it is not a common polymorphism. This variant causes a frameshift by deleting a single nucleotide, so it is predicted to result in a truncated protein or mRNA subject to nonsense-mediated decay. Additionally, downstream truncating variants have been described in individuals with hemophilia A and are considered disease-causing (Factor VIII database and references therein). Based on available information, this variant is considered to be pathogenic. References: Factor VIII database